The following is an entry in ClinVar:

ClinVar aggregate classification (germline): Uncertain significance. Review status: criteria provided, multiple submitters, no conflicts (2 of 4 stars). 2 submissions from 2 submitters: Uncertain significance (2). Last evaluated 2024-10-20.

Conditions:
Werner syndrome (WRN). Identifiers: Orphanet 902, MedGen C0043119, MONDO:0010196, OMIM 277700.

Allele frequency attached by ClinVar (database versions not stated): gnomAD 0.00001; TOPMed 0.00002; gnomAD exomes 0.00005 and 0.00009; ExAC 0.00013; 1000 Genomes Project 30x 0.00016; 1000 Genomes Project 0.00020.
gnomAD v4.1: 66 of 1,614,146 alleles (0.0041%); highest among the groups gnomAD compares: South Asian, 0.07%; 2 homozygotes.

Submissions (2):

Labcorp Genetics (formerly Invitae), Labcorp
Classification: Uncertain significance for Werner syndrome. Last evaluated: 2024-10-20. Review status: criteria provided, single submitter. Criteria: Invitae Variant Classification Sherloc (09022015). Collection method: clinical testing. Allele origin: germline.
Comment: This sequence change replaces lysine, which is basic and polar, with arginine, which is basic and polar, at codon 1208 of the WRN protein (p.Lys1208Arg). This variant is present in population databases (rs529421538, gnomAD 0.07%), including at least one homozygous and/or hemizygous individual. This variant has not been reported in the literature in individuals affected with WRN-related conditions. ClinVar contains an entry for this variant (Variation ID: 647636). An algorithm developed to predict the effect of missense changes on protein structure and function (PolyPhen-2) suggests that this variant is likely to be disruptive. In summary, the available evidence is currently insufficient to determine the role of this variant in disease. Therefore, it has been classified as a Variant of Uncertain Significance.

Fulgent Genetics
Classification: Uncertain significance for Werner syndrome. Last evaluated: 2022-05-13. Review status: criteria provided, single submitter. Criteria: ACMG Guidelines, 2015. Collection method: clinical testing. Allele origin: unknown.

NM_000553.6(WRN):c.3623A>G (p.Lys1208Arg)

Gene: WRN (WRN RecQ like helicase; plus strand). Cytogenetic location: 8p12.
Variant type: single nucleotide variant.
Coding change: c.3623A>G on transcript NM_000553.6 (MANE Select); coding-DNA position 3623, A replaced by G.
Protein change: p.Lys1208Arg; replaces lysine 1208 with arginine.
Molecular consequence: missense variant.
Genome position (GRCh38, 1-based): chr8:31,150,391, A>G. VCF-style: chr8-31150391-A-G. GRCh37 (hg19) VCF-style: chr8-31007907-A-G.
Other names: short protein forms K1208R.
Identifiers: ClinVar variation 647636 (VCV000647636.7), dbSNP rs529421538, ClinGen allele CA4705135.
Genomic context (GRCh38, chr8:31,150,391, plus strand): 5'-TTAAACACAGACCAACTACGGTTGAAAACGTAAAAAGGATTGATGGTGTTTCTGAAGGCA[A>G]AGCTGCCATGTTGGCCCCTCTGTTGGAAGTCATCAAACATTTCTGCCAAACAAATAGTGT-3'
Protein context (NP_000544.2, residues 1198-1218): VKRIDGVSEG[Lys1208Arg]AAMLAPLLEV